The following is an entry in ClinVar:

NM_018489.3(ASH1L):c.294A>T (p.Lys98Asn)

Gene: ASH1L (ASH1 like histone lysine methyltransferase; minus strand). Cytogenetic location: 1q22.
Variant type: single nucleotide variant.
Coding change: c.294A>T on transcript NM_018489.3 (MANE Select); coding-DNA position 294, A replaced by T.
Protein change: p.Lys98Asn; replaces lysine 98 with asparagine.
Molecular consequence: missense variant.
Genome position (GRCh38, 1-based): chr1:155,521,226, T>A on the plus strand (A>T on the coding strand, the complement: ASH1L is on the minus strand). VCF-style: chr1-155521226-T-A. GRCh37 (hg19) VCF-style: chr1-155491017-T-A.
Other names: c.294A>T, p.Lys98Asn (NM_001366177.2); short protein forms K98N.
Identifiers: ClinVar variation 2442648 (VCV002442648.2), dbSNP rs867966554, ClinGen allele CA342714147.

ClinVar aggregate classification (germline): Uncertain significance (1 of 4 stars; one submission).

gnomAD v4.1: 1 of 1,613,888 alleles (0.000062%); no homozygotes.

Submission:

GeneDx
Classification: Uncertain significance. Last evaluated: 2025-08-19. Review status: criteria provided, single submitter. Criteria: GeneDx Variant Classification Process June 2021. Collection method: clinical testing. Allele origin: germline. Affected: yes.
Comment: Not observed at significant frequency in large population cohorts (gnomAD); In silico analysis supports that this missense variant has a deleterious effect on protein structure/function; Has not been previously published as pathogenic or benign to our knowledge